The following is an entry in ClinVar:

NM_002386.4(MC1R):c.193A>G (p.Lys65Glu)

Gene: MC1R (melanocortin 1 receptor; plus strand). Cytogenetic location: 16q24.3.
Variant type: single nucleotide variant.
Coding change: c.193A>G on transcript NM_002386.4 (MANE Select); coding-DNA position 193, A replaced by G.
Protein change: p.Lys65Glu; replaces lysine 65 with glutamic acid.
Molecular consequence: missense variant.
Genome position (GRCh38, 1-based): chr16:89,919,451, A>G. VCF-style: chr16-89919451-A-G. GRCh37 (hg19) VCF-style: chr16-89985859-A-G.
Other names: short protein forms K65E.
Identifiers: ClinVar variation 651352 (VCV000651352.7), dbSNP rs1164849246, ClinGen allele CA397459808.
Genomic context (GRCh38, chr16:89,919,451, plus strand): 5'-TTCCTCAGCCTGGGGCTGGTGAGCTTGGTGGAGAACGCGCTGGTGGTGGCCACCATCGCC[A>G]AGAACCGGAACCTGCACTCACCCATGTACTGCTTCATCTGCTGCCTGGCCTTGTCGGACC-3'
Protein context (NP_002377.4, residues 55-75): ENALVVATIA[Lys65Glu]NRNLHSPMYC

ClinVar aggregate classification (germline): Uncertain significance. Review status: criteria provided, multiple submitters, no conflicts (2 of 4 stars). 2 submissions from 2 submitters: Uncertain significance (2). Last evaluated 2025-05-01.

Conditions:
Melanoma, cutaneous malignant, susceptibility to, 5. Also called: Cutaneous malignant melanoma 5. Identifiers: Orphanet 618, MedGen C2751295, MONDO:0013133, OMIM 613099.

Allele frequency attached by ClinVar (database versions not stated): gnomAD 0.00001; TOPMed 0.00001.

Submissions (2):

Ambry Genetics
Classification: Uncertain significance. Last evaluated: 2025-05-01. Review status: criteria provided, single submitter. Criteria: Ambry Variant Classification Scheme 2023. Collection method: clinical testing. Allele origin: germline.
Comment: The p.K65E variant (also known as c.193A>G), located in coding exon 1 of the MC1R gene, results from an A to G substitution at nucleotide position 193. The lysine at codon 65 is replaced by glutamic acid, an amino acid with similar properties. This amino acid position is conserved. In addition, this alteration is predicted to be tolerated by in silico analysis. Based on the available evidence, the clinical significance of this variant remains unclear.

Labcorp Genetics (formerly Invitae), Labcorp
Classification: Uncertain significance for Melanoma, cutaneous malignant, susceptibility to, 5. Last evaluated: 2023-06-19. Review status: criteria provided, single submitter. Criteria: Invitae Variant Classification Sherloc (09022015). Collection method: clinical testing. Allele origin: germline.
Comment: ClinVar contains an entry for this variant (Variation ID: 651352). In summary, the available evidence is currently insufficient to determine the role of this variant in disease. Therefore, it has been classified as a Variant of Uncertain Significance. Advanced modeling of protein sequence and biophysical properties (such as structural, functional, and spatial information, amino acid conservation, physicochemical variation, residue mobility, and thermodynamic stability) performed at Invitae indicates that this missense variant is expected to disrupt MC1R protein function. This variant has not been reported in the literature in individuals affected with MC1R-related conditions. This variant is not present in population databases (gnomAD no frequency). This sequence change replaces lysine, which is basic and polar, with glutamic acid, which is acidic and polar, at codon 65 of the MC1R protein (p.Lys65Glu).